The following is an entry in ClinVar:

NM_005359.6(SMAD4):c.250-12T>C

Gene: SMAD4 (SMAD family member 4; plus strand). Cytogenetic location: 18q21.2.
Variant type: single nucleotide variant.
Coding change: c.250-12T>C on transcript NM_005359.6 (MANE Select); 12 bases into the intron before coding-DNA position 250, T replaced by C.
Molecular consequence: intron variant.
Genome position (GRCh38, 1-based): chr18:51,048,674, T>C. VCF-style: chr18-51048674-T-C. GRCh37 (hg19) VCF-style: chr18-48575044-T-C.
Other names: c.250-12T>C (NM_001407042.1, NM_001407041.1, NM_001407043.1).
Identifiers: ClinVar variation 3903996 (VCV003903996.1).

ClinVar aggregate classification (germline): Likely benign (1 of 4 stars; one submission).

Conditions:
Juvenile polyposis/hereditary hemorrhagic telangiectasia syndrome (JPHT). Also called: JP/HHT SYNDROME; JUVENILE POLYPOSIS WITH HEREDITARY HEMORRHAGIC TELANGIECTASIA; POLYPOSIS, GENERALIZED JUVENILE, WITH PULMONARY ARTERIOVENOUS MALFORMATION; TELANGIECTASIA, HEREDITARY HEMORRHAGIC, WITH JUVENILE POLYPOSIS COLI; Juvenile Polyposis Syndrome / Hereditary Hemorrhagic Telangiectasia (JPS/HHT). Identifiers: Orphanet 2929, MedGen C1832942, MONDO:0008278, OMIM 175050.

Submission:

Myriad Genetics, Inc.
Classification: Likely benign for Juvenile polyposis/hereditary hemorrhagic telangiectasia syndrome. Last evaluated: 2025-03-18. Review status: criteria provided, single submitter. Criteria: Myriad Autosomal Dominant, Autosomal Recessive and X-Linked Classification Criteria (2023). Collection method: clinical testing. Allele origin: unknown.
Comment: This variant is considered likely benign. This variant is intronic and is not expected to impact mRNA splicing.